The following is an entry in ClinVar:

ClinVar aggregate classification (germline): Conflicting classifications of pathogenicity. Review status: criteria provided, conflicting classifications (1 of 4 stars). 6 submissions from 6 submitters: Uncertain significance (5); Likely benign (1). Last evaluated 2026-06-02.

Conditions:
Hereditary cancer-predisposing syndrome. Also called: Neoplastic Syndromes, Hereditary; Hereditary neoplastic syndrome; Hereditary Cancer Syndrome; Tumor predisposition. Identifiers: Orphanet 140162, MedGen C0027672, MeSH D009386, MONDO:0015356.
Gastrointestinal stromal tumor. Also called: Gastrointestinal stromal tumor, somatic; Gastrointestinal stroma tumor. Identifiers: Orphanet 44890, MedGen C0238198, MeSH D046152, MONDO:0011719, OMIM 606764, HP:0100723.
Malignant tumor of testis. Also called: Testicular cancer. Identifiers: MedGen C0153594, MONDO:0005447.
Mastocytosis. Also called: Mast Cell Disease. Identifiers: Orphanet 98292, MedGen C0024899, MONDO:0007950, HP:0100495.
Piebaldism. Also called: Piebald skin depigmentation. Identifiers: Orphanet 2884, MedGen C0080024, MONDO:0008244, OMIM 172800, HP:0007544.
Acute myeloid leukemia (AML). Also called: Leukemia, acute myeloid, somatic; Leukemia, acute myelogenous, somatic; Acute myeloid leukemia, adult; AML adult; Acute non-lymphocytic leukemia; Acute granulocytic leukemia. Identifiers: Orphanet 519, MedGen C0023467, MeSH D015470, MONDO:0018874, OMIM 601626, HP:0004808. Disease mechanism: Constitutively activated FLT3.

Allele frequency attached by ClinVar (database versions not stated): gnomAD 0.00001; gnomAD exomes 0.00001 and 0.00003; TOPMed 0.00001.
gnomAD v4.1: 51 of 1,613,994 alleles (0.0032%); highest among the groups gnomAD compares: Non-Finnish European, 0.0042%; no homozygotes.

Submissions (6):

Myriad Genetics, Inc.
Classification: Likely benign for Gastrointestinal stromal tumor. Last evaluated: 2026-06-02. Review status: criteria provided, single submitter. Criteria: Myriad Autosomal Dominant, Autosomal Recessive and X-Linked Classification Criteria (2023). Collection method: clinical testing. Allele origin: unknown.
Comment: This variant is considered likely benign. This variant has been observed at a population frequency that is significantly greater than expected given the associated disease prevalence and penetrance.

Labcorp Genetics (formerly Invitae), Labcorp
Classification: Uncertain significance for Gastrointestinal stromal tumor. Last evaluated: 2025-09-23. Review status: criteria provided, single submitter. Criteria: Invitae Variant Classification Sherloc (09022015). Collection method: clinical testing. Allele origin: germline.
Comment: This sequence change replaces serine, which is neutral and polar, with cysteine, which is neutral and slightly polar, at codon 967 of the KIT protein (p.Ser967Cys). This variant is present in population databases (no rsID available, gnomAD 0.002%). This variant has not been reported in the literature in individuals affected with KIT-related conditions. ClinVar contains an entry for this variant (Variation ID: 458936). An algorithm developed to predict the effect of missense changes on protein structure and function (PolyPhen-2) suggests that this variant is likely to be tolerated. In summary, the available evidence is currently insufficient to determine the role of this variant in disease. Therefore, it has been classified as a Variant of Uncertain Significance.

Ambry Genetics
Classification: Uncertain significance for Hereditary cancer-predisposing syndrome. Last evaluated: 2025-01-27. Review status: criteria provided, single submitter. Criteria: Ambry Variant Classification Scheme 2023. Collection method: clinical testing. Allele origin: germline.
Comment: The p.S967C variant (also known as c.2900C>G), located in coding exon 21 of the KIT gene, results from a C to G substitution at nucleotide position 2900. The serine at codon 967 is replaced by cysteine, an amino acid with dissimilar properties. This amino acid position is poorly conserved in available vertebrate species. In addition, this alteration is predicted to be tolerated by in silico analysis. Based on the available evidence, the clinical significance of this variant remains unclear.

GeneDx
Classification: Uncertain significance. Last evaluated: 2024-06-05. Review status: criteria provided, single submitter. Criteria: GeneDx Variant Classification Process June 2021. Collection method: clinical testing. Allele origin: germline. Affected: yes.
Comment: Not observed at significant frequency in large population cohorts (gnomAD); In silico analysis indicates that this missense variant does not alter protein structure/function; Has not been previously published as pathogenic or benign to our knowledge

Baylor Genetics
Classification: Uncertain significance for Gastrointestinal stromal tumor. Last evaluated: 2024-02-17. Review status: criteria provided, single submitter. Criteria: ACMG Guidelines, 2015. Collection method: clinical testing. Allele origin: unknown.

Fulgent Genetics
Classification: Uncertain significance for Cutaneous mastocytosis; Piebaldism; Germ cell tumor of testis; Acute myeloid leukemia; Gastrointestinal stromal tumor. Last evaluated: 2018-10-31. Review status: criteria provided, single submitter. Criteria: ACMG Guidelines, 2015. Collection method: clinical testing. Allele origin: unknown.

NM_000222.3(KIT):c.2900C>G (p.Ser967Cys)

Gene: KIT (KIT proto-oncogene, receptor tyrosine kinase; plus strand). Cytogenetic location: 4q12.
Variant type: single nucleotide variant.
Coding change: c.2900C>G on transcript NM_000222.3 (MANE Select); coding-DNA position 2900, C replaced by G.
Protein change: p.Ser967Cys; replaces serine 967 with cysteine.
Molecular consequence: missense variant.
Genome position (GRCh38, 1-based): chr4:54,738,526, C>G. VCF-style: chr4-54738526-C-G. GRCh37 (hg19) VCF-style: chr4-55604692-C-G.
Other names: c.2888C>G, p.Ser963Cys (NM_001093772.2, NM_001385292.1); c.2903C>G, p.Ser968Cys (NM_001385284.1); c.2897C>G, p.Ser966Cys (NM_001385285.1); c.2885C>G, p.Ser962Cys (NM_001385286.1); c.2891C>G, p.Ser964Cys (NM_001385288.1); c.2900C>G, p.Ser967Cys (NM_001385290.1); short protein forms S967C, S963C, S962C, S964C, S966C, S968C.
Identifiers: ClinVar variation 458936 (VCV000458936.15), dbSNP rs1232060384, ClinGen allele CA356916509.